The following is an entry in ClinVar:

NM_014567.5(BCAR1):c.1820G>A (p.Arg607Gln)

Gene: BCAR1 (BCAR1 scaffold protein, Cas family member; minus strand). Cytogenetic location: 16q23.1.
Variant type: single nucleotide variant.
Coding change: c.1820G>A on transcript NM_014567.5 (MANE Select); coding-DNA position 1820, G replaced by A.
Protein change: p.Arg607Gln; replaces arginine 607 with glutamine.
Molecular consequence: missense variant.
Genome position (GRCh38, 1-based): chr16:75,235,079, C>T on the plus strand (G>A on the coding strand, the complement: BCAR1 is on the minus strand). VCF-style: chr16-75235079-C-T. GRCh37 (hg19) VCF-style: chr16-75268977-C-T.
Other names: c.1814G>A, p.Arg605Gln (NM_001170719.3); c.1376G>A, p.Arg459Gln (NM_001170720.3); c.1190G>A, p.Arg397Gln (NM_001170721.3); c.1958G>A, p.Arg653Gln (NM_001170714.3); c.1874G>A, p.Arg625Gln (NM_001170715.3, NM_001170716.3, NM_001170717.3); c.1820G>A, p.Arg607Gln (NM_001170718.3); short protein forms R397Q, R459Q, R605Q, R607Q, R625Q, R653Q.
Identifiers: ClinVar variation 2646871 (VCV002646871.24), dbSNP rs61743104, ClinGen allele CA8173906.

ClinVar aggregate classification (germline): Likely benign (1 of 4 stars; one submission).

Allele frequency attached by ClinVar (database versions not stated): 1000 Genomes Project 0.00300; 1000 Genomes Project 30x 0.00312; TOPMed 0.00436; gnomAD 0.00454; ESP Exome Variant Server 0.00469; gnomAD exomes 0.00586; ExAC 0.00642.

Submission:

CeGaT Center for Human Genetics Tuebingen
Classification: Likely benign. Last evaluated: 2025-12-01. Review status: criteria provided, single submitter. Criteria: CeGaT Center For Human Genetics Tuebingen Variant Classification Criteria Version 2. Collection method: clinical testing. Allele origin: germline. Affected: yes. Observed: 3 variant alleles.
Comment: BCAR1: BS2